The following is an entry in ClinVar:

NM_014425.5(INVS):c.657C>T (p.Tyr219=)

Gene: INVS (inversin; plus strand). Cytogenetic location: 9q31.1.
Variant type: single nucleotide variant.
Coding change: c.657C>T on transcript NM_014425.5 (MANE Select); coding-DNA position 657, C replaced by T.
Protein change: p.Tyr219=; no amino-acid change (tyrosine 219 retained).
Molecular consequence: synonymous variant. On other transcripts: 5 prime UTR variant (1), non-coding transcript variant (1).
Genome position (GRCh38, 1-based): chr9:100,240,101, C>T. VCF-style: chr9-100240101-C-T. GRCh37 (hg19) VCF-style: chr9-103002383-C-T.
Other names: c.369C>T, p.Tyr123= (NM_001318381.2); c.-333C>T (NM_001318382.2).
Identifiers: ClinVar variation 1138617 (VCV001138617.10), dbSNP rs1424949239, ClinGen allele CA466556851.
Genomic context (GRCh38, chr9:100,240,101, plus strand): 5'-TCTGGTTCCTTCAAATCAGGATGCTGCTCCAACAGAGTCTTTACTGAACTGGCAAGACTA[C>T]GAGGGTCGAACTCCTCTTCACTTTGCAGTTGCTGATGGGAATGTGACCGTGGTTGATGTC-3'
Protein context (NP_055240.2, residues 209-229): PTESLLNWQD[Tyr219=]EGRTPLHFAV

ClinVar aggregate classification (germline): Conflicting classifications of pathogenicity. Review status: criteria provided, conflicting classifications (1 of 4 stars). 2 submissions from 2 submitters: Uncertain significance (1); Likely benign (1). Last evaluated 2025-03-17.

Conditions:
Nephronophthisis. Also called: Juvenile Nephronophthisis. Identifiers: Orphanet 655, MedGen C0687120, MONDO:0019005, HP:0000090.
Infantile nephronophthisis (NPHP2). Also called: Nephronophthisis 2, infantile; Nephronophthisis 2. Identifiers: Orphanet 655, Orphanet 93591, MedGen C1865872, MONDO:0011190, OMIM 602088.

Allele frequency attached by ClinVar (database versions not stated): gnomAD exomes below 0.00001; gnomAD 0.00001; TOPMed 0.00002.
gnomAD v4.1: 39 of 1,613,980 alleles (0.0024%); highest among the groups gnomAD compares: Non-Finnish European, 0.0032%; no homozygotes.

Submissions (2):

Labcorp Genetics (formerly Invitae), Labcorp
Classification: Likely benign for Nephronophthisis. Last evaluated: 2025-03-17. Review status: criteria provided, single submitter. Criteria: Invitae Variant Classification Sherloc (09022015). Collection method: clinical testing. Allele origin: germline.

3billion
Classification: Uncertain significance for Infantile nephronophthisis. Last evaluated: 2024-06-22. Review status: criteria provided, single submitter. Criteria: ACMG Guidelines, 2015. Collection method: clinical testing. Allele origin: germline. Affected: yes.
Comment: The variant is observed at an extremely low frequency in the gnomAD v4.0.0 dataset (total allele frequency: 0.002%). Predicted Consequence/Location: Synonymous variant In silico tools predict the variant to alter splicing and produce an abnormal transcript [SpliceAI: 0.27 (>=0.2, moderate evidence for spliceogenicity)]. The variant is in trans with the other variant. The variant has been reported as benign without evidence for the classification (ClinVar ID: VCV001138617). Therefore, this variant is classified as VUS according to the recommendation of ACMG/AMP guideline.